The following is an entry in ClinVar:

NM_000292.3(PHKA2):c.3590G>T (p.Cys1197Phe)

Genes: PHKA2 (phosphorylase kinase regulatory subunit alpha 2; minus strand), PHKA2-AS1 (PHKA2 antisense RNA 1; plus strand). Cytogenetic location: Xp22.13.
Variant type: single nucleotide variant.
Coding change: c.3590G>T on transcript NM_000292.3 (MANE Select); coding-DNA position 3590, G replaced by T.
Protein change: p.Cys1197Phe; replaces cysteine 1197 with phenylalanine.
Molecular consequence: missense variant.
Genome position (GRCh38, 1-based): chrX:18,893,603, C>A on the plus strand (G>T on the coding strand, the complement: PHKA2 is on the minus strand). VCF-style: chrX-18893603-C-A. GRCh37 (hg19) VCF-style: chrX-18911721-C-A.
Other names: short protein forms C1197F.
Identifiers: ClinVar variation 634545 (VCV000634545.6), dbSNP rs1569286164, ClinGen allele CA412374494.

ClinVar aggregate classification (germline): Uncertain significance. Review status: criteria provided, multiple submitters, no conflicts (2 of 4 stars). 3 submissions from 3 submitters: Uncertain significance (3). Last evaluated 2025-07-14.

Conditions:
Inborn genetic diseases. Identifiers: MedGen C0950123, MeSH D030342.
Glycogen storage disease IXa1. Also called: GLYCOGEN STORAGE DISEASE VIII; GSD VIII; Glycogen storage disease 8; LIVER GLYCOGENOSIS, X-LINKED, TYPE I. Identifiers: Orphanet 264580, MedGen C3694531, MONDO:0010598, OMIM 306000.

Allele frequency attached by ClinVar (database versions not stated): gnomAD exomes below 0.00001.
gnomAD v4.1: 1 of 1,211,711 alleles (0.000083%); highest among the groups gnomAD compares: Non-Finnish European, 0.00011%; no homozygotes.

Submissions (3):

GeneDx
Classification: Uncertain significance. Last evaluated: 2025-07-14. Review status: criteria provided, single submitter. Criteria: GeneDx Variant Classification Process June 2021. Collection method: clinical testing. Allele origin: germline. Affected: yes.
Comment: In silico analysis supports that this missense variant has a deleterious effect on protein structure/function; Not observed at significant frequency in large population cohorts (gnomAD); This variant is associated with the following publications: (PMID: 34690074)

Ambry Genetics
Classification: Uncertain significance for Inborn genetic diseases. Last evaluated: 2021-11-12. Review status: criteria provided, single submitter. Criteria: Ambry Variant Classification Scheme 2023. Collection method: clinical testing. Allele origin: germline.

Genomic Research Center, Shahid Beheshti University of Medical Sciences
Classification: Uncertain significance for Glycogen storage disease type VIII. Last evaluated: 2019-01-01. Review status: criteria provided, single submitter. Criteria: ACMG Guidelines, 2015. Collection method: clinical testing. Allele origin: unknown. Affected: yes. Observed: 1 variant allele.